The following is an entry in ClinVar:

ClinVar aggregate classification (germline): Conflicting classifications of pathogenicity. Review status: criteria provided, conflicting classifications (1 of 4 stars). 4 submissions from 4 submitters: Uncertain significance (3); Likely benign (1). Last evaluated 2025-04-28.

Conditions:
X-linked myopathy with postural muscle atrophy. Also called: FHL1-Related Emery-Dreifuss Muscular Dystrophy, X-Linked. Identifiers: Orphanet 178461, MedGen C2678055, MONDO:0010401, OMIM 300696.
Myopathy, reducing body, X-linked, childhood-onset (RBMX1B). Also called: REDUCING BODY MYOPATHY, X-LINKED 1B, WITH LATE CHILDHOOD OR ADULT ONSET. Identifiers: Orphanet 97239, MedGen C4225159, MONDO:0010415, OMIM 300718.
Myopathy, reducing body, X-linked, early-onset, severe (RBMX1A). Also called: REDUCING BODY MYOPATHY, X-LINKED 1, SEVERE, WITH INFANTILE OR EARLY CHILDHOOD ONSET. Identifiers: Orphanet 97239, MedGen C4225423, MONDO:0010414, OMIM 300717.
Uruguay Faciocardiomusculoskeletal syndrome. Identifiers: MedGen C1846010, MONDO:0010292, OMIM 300280.
X-linked scapuloperoneal muscular dystrophy. Also called: SCAPULOPERONEAL MYOPATHY, FHL1-RELATED. Identifiers: Orphanet 431272, MedGen C2678061, MONDO:0010400, OMIM 300695.
Cardiovascular phenotype. Identifiers: MedGen CN230736.

Allele frequency attached by ClinVar (database versions not stated): TOPMed 0.00001.
gnomAD v4.1: 9 of 1,211,578 alleles (0.00074%); highest among the groups gnomAD compares: Non-Finnish European, 0.00089%; no homozygotes.

Submissions (4):

Labcorp Genetics (formerly Invitae), Labcorp
Classification: Uncertain significance for X-linked myopathy with postural muscle atrophy. Last evaluated: 2025-04-28. Review status: criteria provided, single submitter. Criteria: Invitae Variant Classification Sherloc (09022015). Collection method: clinical testing. Allele origin: germline.
Comment: This sequence change replaces threonine, which is neutral and polar, with asparagine, which is neutral and polar, at codon 64 of the FHL1 protein (p.Thr64Asn). This variant is present in population databases (no rsID available, gnomAD 0.001%). This variant has not been reported in the literature in individuals affected with FHL1-related conditions. ClinVar contains an entry for this variant (Variation ID: 838581). An algorithm developed to predict the effect of missense changes on protein structure and function outputs the following: PolyPhen-2: "Benign". The asparagine amino acid residue is found in multiple mammalian species, which suggests that this missense change does not adversely affect protein function. In summary, the available evidence is currently insufficient to determine the role of this variant in disease. Therefore, it has been classified as a Variant of Uncertain Significance.

Ambry Genetics
Classification: Likely benign for Cardiovascular phenotype. Last evaluated: 2024-06-01. Review status: criteria provided, single submitter. Criteria: Ambry Variant Classification Scheme 2023. Collection method: clinical testing. Allele origin: germline.

Fulgent Genetics
Classification: Uncertain significance for Uruguay Faciocardiomusculoskeletal syndrome; X-linked scapuloperoneal muscular dystrophy; X-linked myopathy with postural muscle atrophy; Myopathy, reducing body, X-linked, early-onset, severe; Myopathy, reducing body, X-linked, childhood-onset. Last evaluated: 2021-10-28. Review status: criteria provided, single submitter. Criteria: ACMG Guidelines, 2015. Collection method: clinical testing. Allele origin: unknown.

Revvity Omics, Revvity
Classification: Uncertain significance. Last evaluated: 2020-12-08. Review status: criteria provided, single submitter. Criteria: ACMG Guidelines, 2015. Collection method: clinical testing. Allele origin: germline.

NM_001159699.2(FHL1):c.239C>A (p.Thr80Asn)

Gene: FHL1 (four and a half LIM domains 1; plus strand). Cytogenetic location: Xq26.3.
Variant type: single nucleotide variant.
Coding change: c.239C>A on transcript NM_001159699.2 (MANE Select); coding-DNA position 239, C replaced by A.
Protein change: p.Thr80Asn; replaces threonine 80 with asparagine.
Molecular consequence: missense variant. On other transcripts: non-coding transcript variant (1).
Genome position (GRCh38, 1-based): chrX:136,207,050, C>A. VCF-style: chrX-136207050-C-A. GRCh37 (hg19) VCF-style: chrX-135289209-C-A.
Other names: c.191C>A, p.Thr64Asn (NM_001159700.2, NM_001159702.3, NM_001159703.2 and 9 more transcripts); c.278C>A, p.Thr93Asn (NM_001159701.2); c.239C>A, p.Thr80Asn (NM_001330659.2); short protein forms T93N, T64N, T80N.
Identifiers: ClinVar variation 838581 (VCV000838581.16), dbSNP rs746834335, ClinGen allele CA336094288.